The following is an entry in ClinVar:

ClinVar aggregate classification (germline): Benign/Likely benign. Review status: criteria provided, multiple submitters, no conflicts (2 of 4 stars). 4 submissions from 4 submitters: Benign (2); Likely benign (2). Last evaluated 2026-09-01.

Allele frequency attached by ClinVar (database versions not stated): 1000 Genomes Project 0.00060; 1000 Genomes Project 30x 0.00062; TOPMed 0.00157; gnomAD exomes 0.00170 and 0.00256; ExAC 0.00171; ESP Exome Variant Server 0.00175; gnomAD 0.00191 and 0.00200.
gnomAD v4.1: 3,834 of 1,551,426 alleles (0.25%); highest among the groups gnomAD compares: Non-Finnish European, 0.3%; 7 homozygotes.

Submissions (4):

CeGaT Center for Human Genetics Tuebingen
Classification: Likely benign. Last evaluated: 2026-09-01. Review status: criteria provided, single submitter. Criteria: CeGaT Center For Human Genetics Tuebingen Variant Classification Criteria Version 2. Collection method: clinical testing. Allele origin: germline. Affected: yes. Observed: 5 variant alleles.
Comment: UNC80: BP4, BP7

Labcorp Genetics (formerly Invitae), Labcorp
Classification: Benign. Last evaluated: 2026-02-02. Review status: criteria provided, single submitter. Criteria: Invitae Variant Classification Sherloc (09022015). Collection method: clinical testing. Allele origin: germline.

Blueprint Genetics
Classification: Likely benign. Last evaluated: 2024-11-21. Review status: criteria provided, single submitter. Criteria: ACMG Guidelines, 2015. Collection method: clinical testing. Allele origin: germline.

Breakthrough Genomics
Classification: Benign. Review status: criteria provided, single submitter. Criteria: ACMG Guidelines, 2015. Collection method: not provided. Allele origin: germline. Inheritance: Autosomal recessive inheritance. Affected: yes.

NM_001371986.1(UNC80):c.9141C>T (p.Ser3047=)

Gene: UNC80 (unc-80 subunit of NALCN channel complex; plus strand). Cytogenetic location: 2q34.
Variant type: single nucleotide variant.
Coding change: c.9141C>T on transcript NM_001371986.1 (MANE Select); coding-DNA position 9141, C replaced by T.
Protein change: p.Ser3047=; no amino-acid change (serine 3047 retained).
Molecular consequence: synonymous variant.
Genome position (GRCh38, 1-based): chr2:209,982,201, C>T. VCF-style: chr2-209982201-C-T. GRCh37 (hg19) VCF-style: chr2-210846925-C-T.
Other names: c.8943C>T, p.Ser2981= (NM_032504.2); c.8928C>T, p.Ser2976= (NM_182587.4).
Identifiers: ClinVar variation 717614 (VCV000717614.35), dbSNP rs73003402, ClinGen allele CA2083633.